The following is an entry in ClinVar:

NM_001039348.3(EFEMP1):c.188A>C (p.Asn63Thr)

Gene: EFEMP1 (EGF containing fibulin extracellular matrix protein 1; minus strand). Cytogenetic location: 2p16.1.
Variant type: single nucleotide variant.
Coding change: c.188A>C on transcript NM_001039348.3 (MANE Select); coding-DNA position 188, A replaced by C.
Protein change: p.Asn63Thr; replaces asparagine 63 with threonine.
Molecular consequence: missense variant.
Genome position (GRCh38, 1-based): chr2:55,917,994, T>G on the plus strand (A>C on the coding strand, the complement: EFEMP1 is on the minus strand). VCF-style: chr2-55917994-T-G. GRCh37 (hg19) VCF-style: chr2-56145129-T-G.
Other names: c.188A>C, p.Asn63Thr (NM_001039349.3); short protein forms N63T.
Identifiers: ClinVar variation 1810154 (VCV001810154.1), dbSNP rs2465837835, ClinGen allele CA347026998.

ClinVar aggregate classification (germline): Uncertain significance (1 of 4 stars; one submission).

Submission:

GeneDx
Classification: Uncertain significance. Last evaluated: 2022-06-30. Review status: criteria provided, single submitter. Criteria: GeneDx Variant Classification Process June 2021. Collection method: clinical testing. Allele origin: germline. Affected: yes.
Comment: Not observed at significant frequency in large population cohorts (gnomAD); In silico analysis supports that this missense variant has a deleterious effect on protein structure/function; Has not been previously published as pathogenic or benign to our knowledge